The following is an entry in ClinVar:

ClinVar aggregate classification (germline): Benign. Review status: criteria provided, multiple submitters, no conflicts (2 of 4 stars). 13 submissions from 11 submitters: Benign (11). 2 of the submissions do not count toward it. Last evaluated 2026-02-04.

Conditions:
Microcephaly 9, primary, autosomal recessive. Identifiers: Orphanet 2512, MedGen C3553886, MONDO:0013923, OMIM 614852.
Seckel syndrome 5 (SCKL5). Identifiers: Orphanet 808, MedGen C3151187, MONDO:0013443, OMIM 613823.

Allele frequency attached by ClinVar (database versions not stated): gnomAD exomes 0.19419; ExAC 0.19894; ESP Exome Variant Server 0.23346; gnomAD 0.25704; TOPMed 0.27387; 1000 Genomes Project 0.32468; 1000 Genomes Project 30x 0.32651.
gnomAD v4.1: 252,786 of 1,613,764 alleles (16%); highest among the groups gnomAD compares: African/African-American, 52%; 28,309 homozygotes.

Submissions (13):

Labcorp Genetics (formerly Invitae), Labcorp
Classification: Benign. Last evaluated: 2026-02-04. Review status: criteria provided, single submitter. Criteria: Invitae Variant Classification Sherloc (09022015). Collection method: clinical testing. Allele origin: germline.

Blueprint Genetics
Classification: Benign. Last evaluated: 2024-11-27. Review status: criteria provided, single submitter. Criteria: ACMG Guidelines, 2015. Collection method: clinical testing. Allele origin: germline.

Genome-Nilou Lab
Classification: Benign for Microcephaly 9, primary, autosomal recessive. Last evaluated: 2021-07-22. Review status: criteria provided, single submitter. Criteria: ACMG Guidelines, 2015. Collection method: clinical testing. Allele origin: germline. Affected: no.

Genome-Nilou Lab
Classification: Benign for Seckel syndrome 5. Last evaluated: 2021-07-22. Review status: criteria provided, single submitter. Criteria: ACMG Guidelines, 2015. Collection method: clinical testing. Allele origin: germline. Affected: no.

Illumina Laboratory Services, Illumina
Classification: Benign for Seckel syndrome 5. Last evaluated: 2018-01-13. Review status: criteria provided, single submitter. Criteria: ICSL Variant Classification Criteria 13 December 2019. Collection method: clinical testing. Allele origin: germline.
Comment: This variant was observed in the ICSL laboratory as part of a predisposition screen in an ostensibly healthy population. It had not been previously curated by ICSL or reported in the Human Gene Mutation Database (HGMD: prior to June 1st, 2018), and was therefore a candidate for classification through an automated scoring system. Utilizing variant allele frequency, disease prevalence and penetrance estimates, and inheritance mode, an automated score was calculated to assess if this variant is too frequent to cause the disease. Based on the score and internal cut-off values, a variant classified as benign is not then subjected to further curation. The score for this variant resulted in a classification of benign for this disease.

Illumina Laboratory Services, Illumina
Classification: Benign for Microcephaly 9, primary, autosomal recessive. Last evaluated: 2018-01-13. Review status: criteria provided, single submitter. Criteria: ICSL Variant Classification Criteria 13 December 2019. Collection method: clinical testing. Allele origin: germline.
Comment: the same text as in the submission from Illumina Laboratory Services, Illumina above.

GeneDx
Classification: Benign. Last evaluated: 2013-12-18. Review status: criteria provided, single submitter. Criteria: GeneDx Variant Classification (06012015). Collection method: clinical testing. Allele origin: germline. Affected: yes.
Comment: This variant is considered likely benign or benign based on one or more of the following criteria: it is a conservative change, it occurs at a poorly conserved position in the protein, it is predicted to be benign by multiple in silico algorithms, and/or has population frequency not consistent with disease.

Eurofins Ntd Llc (ga)
Classification: Benign. Last evaluated: 2013-07-03. Review status: criteria provided, single submitter. Criteria: EGL Classification Definitions 2015. Collection method: clinical testing. Allele origin: germline. Observed: 1 variant allele, 1 heterozygote.

Genetic Services Laboratory, University of Chicago
Classification: Benign. Last evaluated: 2013-02-08. Review status: criteria provided, single submitter. Criteria: ACMG Guidelines, 2007. Collection method: clinical testing. Allele origin: germline. Inheritance: Autosomal recessive inheritance.

Breakthrough Genomics
Classification: Benign. Review status: criteria provided, single submitter. Criteria: ACMG Guidelines, 2015. Collection method: not provided. Allele origin: germline. Inheritance: Autosomal recessive inheritance. Affected: yes.

PreventionGenetics, part of Exact Sciences
Classification: Benign. Review status: criteria provided, single submitter. Criteria: ACMG Guidelines, 2015. Collection method: clinical testing. Allele origin: germline.

Clinical Genetics DNA and cytogenetics Diagnostics Lab, Erasmus MC, Erasmus Medical Center
Classification: Benign. Review status: no assertion criteria provided. Collection method: clinical testing. Allele origin: germline. Affected: yes. Study: VKGL Data-share Consensus. Not counted in ClinVar's aggregate classification.

Joint Genome Diagnostic Labs from Nijmegen and Maastricht, Radboudumc and MUMC+
Classification: Benign. Review status: no assertion criteria provided. Collection method: clinical testing. Allele origin: germline. Affected: yes. Study: VKGL Data-share Consensus. Not counted in ClinVar's aggregate classification.

NM_001194998.2(CEP152):c.3466+8G>C

Gene: CEP152 (centrosomal protein 152; minus strand). Cytogenetic location: 15q21.1.
Variant type: single nucleotide variant.
Coding change: c.3466+8G>C on transcript NM_001194998.2 (MANE Select); 8 bases into the intron after coding-DNA position 3466, G replaced by C.
Molecular consequence: intron variant.
Genome position (GRCh38, 1-based): chr15:48,752,341, C>G on the plus strand (G>C on the coding strand, the complement: CEP152 is on the minus strand). VCF-style: chr15-48752341-C-G. GRCh37 (hg19) VCF-style: chr15-49044538-C-G.
Other names: c.3466+8G>C (NM_014985.4).
Identifiers: ClinVar variation 95653 (VCV000095653.28), dbSNP rs2306187, ClinGen allele CA148696.